The following is an entry in ClinVar:

NM_001148.6(ANK2):c.8417T>C (p.Val2806Ala)

Gene: ANK2 (ankyrin 2; plus strand). Cytogenetic location: 4q26.
Variant type: single nucleotide variant.
Coding change: c.8417T>C on transcript NM_001148.6 (MANE Select); coding-DNA position 8417, T replaced by C.
Protein change: p.Val2806Ala; replaces valine 2806 with alanine.
Molecular consequence: missense variant. On other transcripts: intron variant (68).
Genome position (GRCh38, 1-based): chr4:113,357,035, T>C. VCF-style: chr4-113357035-T-C. GRCh37 (hg19) VCF-style: chr4-114278191-T-C.
Other names: c.8183T>C, p.Val2728Ala (NM_001386142.1); c.4817T>C, p.Val1606Ala (NM_001386166.1); c.8558T>C, p.Val2853Ala (NM_001386174.1); c.8534T>C, p.Val2845Ala (NM_001386175.1); c.4412-3788T>C (NM_001386186.2, NM_001386148.2); c.4214-3788T>C (NM_001354269.3); c.4292-3788T>C (NM_001386187.2); c.4253-3788T>C (NM_001386147.1); and 35 more; short protein forms V2806A, V1606A, V2728A, V2845A, V2853A.
Identifiers: ClinVar variation 347336 (VCV000347336.15), dbSNP rs769091762, ClinGen allele CA3051768.
Genomic context (GRCh38, chr4:113,357,035, plus strand): 5'-CTGCTCCTGTCTCTTCAGGTCTACAGAGTCCGACTGGTGATGATGTTGATGAACAGCCAG[T>C]CATCTATAAAGAATCATTAGCTCTCCAAGGCACTCATGAAAAAGACACAGAGGGAGAAGA-3'
Protein context (NP_001139.3, residues 2796-2816): PTGDDVDEQP[Val2806Ala]IYKESLALQG

ClinVar aggregate classification (germline): Conflicting classifications of pathogenicity. Review status: criteria provided, conflicting classifications (1 of 4 stars). 6 submissions from 6 submitters: Uncertain significance (5); Likely benign (1). Last evaluated 2025-05-04.

Conditions:
Cardiovascular phenotype. Identifiers: MedGen CN230736.
Cardiac arrhythmia, ankyrin-B-related. Also called: ANKYRIN-B SYNDROME. Identifiers: Orphanet 101016, Orphanet 768, MedGen C1970119, MONDO:0010958, OMIM 600919.
ANK2-related Autism.
Long QT syndrome (LQTS). Identifiers: MedGen C0023976, MeSH D008133, MONDO:0002442. Disease mechanism: loss of function. Inheritance: Various modes of inheritance.

Allele frequency attached by ClinVar (database versions not stated): TOPMed 0.00001; ExAC 0.00002; gnomAD 0.00003 and 0.00004; gnomAD exomes 0.00003 and 0.00001.
gnomAD v4.1: 28 of 1,613,928 alleles (0.0017%); highest among the groups gnomAD compares: Middle Eastern, 0.033%; no homozygotes.

Submissions (6):

Labcorp Genetics (formerly Invitae), Labcorp
Classification: Uncertain significance for Long QT syndrome. Last evaluated: 2025-05-04. Review status: criteria provided, single submitter. Criteria: Invitae Variant Classification Sherloc (09022015). Collection method: clinical testing. Allele origin: germline.
Comment: This sequence change replaces valine, which is neutral and non-polar, with alanine, which is neutral and non-polar, at codon 2806 of the ANK2 protein (p.Val2806Ala). This variant is present in population databases (rs769091762, gnomAD 0.006%). This variant has not been reported in the literature in individuals affected with ANK2-related conditions. ClinVar contains an entry for this variant (Variation ID: 347336). An algorithm developed to predict the effect of missense changes on protein structure and function outputs the following: PolyPhen-2: "Benign". The alanine amino acid residue is found in multiple mammalian species, which suggests that this missense change does not adversely affect protein function. In summary, the available evidence is currently insufficient to determine the role of this variant in disease. Therefore, it has been classified as a Variant of Uncertain Significance.

Ambry Genetics
Classification: Uncertain significance for Cardiovascular phenotype. Last evaluated: 2024-10-25. Review status: criteria provided, single submitter. Criteria: Ambry Variant Classification Scheme 2023. Collection method: clinical testing. Allele origin: germline.

Blueprint Genetics
Classification: Likely benign. Last evaluated: 2024-08-12. Review status: criteria provided, single submitter. Criteria: ACMG Guidelines, 2015. Collection method: clinical testing. Allele origin: germline.

Women's Health and Genetics/Laboratory Corporation of America, LabCorp
Classification: Uncertain significance. Last evaluated: 2023-03-12. Review status: criteria provided, single submitter. Criteria: LabCorp Variant Classification Summary - May 2015. Collection method: clinical testing. Allele origin: germline.

New York Genome Center
Classification: Uncertain significance for ANK2-related Autism. Last evaluated: 2021-06-11. Review status: criteria provided, single submitter. Criteria: NYGC Assertion Criteria 2020. Collection method: clinical testing. Allele origin: inherited. Observed: 1 heterozygote. Study: CSER-NYCKidSeq.

Illumina Laboratory Services, Illumina
Classification: Uncertain significance for Cardiac arrhythmia, ankyrin-B-related. Last evaluated: 2018-01-13. Review status: criteria provided, single submitter. Criteria: ICSL Variant Classification Criteria 13 December 2019. Collection method: clinical testing. Allele origin: germline.